The following is an entry in ClinVar:

ClinVar aggregate classification (germline): Pathogenic/Likely pathogenic. Review status: criteria provided, multiple submitters, no conflicts (2 of 4 stars). 9 submissions from 9 submitters: Pathogenic (5); Likely pathogenic (2). 2 of the submissions do not count toward it. Last evaluated 2026-04-30.

Conditions:
FGF3-related disorders.
FGF3-related disorder. Also called: FGF3-related condition.
Deafness with labyrinthine aplasia, microtia, and microdontia. Also called: Congenital Deafness with Inner Ear Agenesis, Microtia, and Microdontia; DEAFNESS WITH LAMM; DEAFNESS, CONGENITAL, WITH LABYRINTHINE APLASIA, MICROTIA, AND MICRODONTIA. Identifiers: Orphanet 90024, MedGen C1853144, MONDO:0012541, OMIM 610706.

Allele frequency attached by ClinVar (database versions not stated): ExAC 0.00002; gnomAD 0.00002; TOPMed 0.00003; 1000 Genomes Project 30x 0.00016; gnomAD exomes 0.00001 and 0.00002; 1000 Genomes Project 0.00020.
gnomAD v4.1: 24 of 1,613,542 alleles (0.0015%); highest among the groups gnomAD compares: Middle Eastern, 0.033%; no homozygotes.

Submissions (9):

GeneDx
Classification: Likely pathogenic. Last evaluated: 2026-04-30. Review status: criteria provided, single submitter. Criteria: GeneDx Variant Classification Process June 2021. Collection method: clinical testing. Allele origin: germline.
Comment: Nonsense variant predicted to result in protein truncation, as the last 136 amino acid(s) are lost, and other loss-of-function variants have been reported downstream in HGMD; This variant is associated with the following publications: (PMID: 40762868, 21480479, 22993869, 21306635, 17236138, 40464334)

Victorian Clinical Genetics Services, Murdoch Childrens Research Institute
Classification: Pathogenic for Deafness with labyrinthine aplasia, microtia, and microdontia. Last evaluated: 2024-10-09. Review status: criteria provided, single submitter. Criteria: ACMG Guidelines, 2015. Collection method: clinical testing. Allele origin: germline. Inheritance: Autosomal recessive inheritance. Affected: yes.
Comment: Based on the classification scheme VCGS_Germline_v1.3.4, this variant is classified as Pathogenic. Following criteria are met: 0102 - Loss of function is a known mechanism of disease in this gene and is associated with deafness, congenital with inner ear agenesis, microtia, and microdontia (MIM#610706). (I) 0106 - This gene is associated with autosomal recessive disease. (I) 0204 - Variant is predicted to result in a truncated protein (premature termination codon is NOT located at least 54 nucleotides upstream of the final exon-exon junction) with at least 1/3 of the protein sequence affected. (SP) 0251 - This variant is heterozygous. (I) 0304 - Variant is present in gnomAD (v2) <0.01 for a recessive condition (6 heterozygotes, 0 homozygotes). (SP) 0701 - Other downstream truncating variants comparable to the one identified in this case have very strong previous evidence for pathogenicity (DECIPHER). (SP) 0801 - This variant has strong previous evidence of pathogenicity in unrelated individuals. This variant has been classified as likely pathogenic and pathogenic by clinical laboratories in ClinVar. Additionally, it has been observed as homozygous and compound heterozygous in several families with congenital deafness with inner ear agenesis, microtia, and microdontia (PMIDs: 17236138, 21480479, 21306635). (SP) 1208 - Inheritance information for this variant is not currently available in this individual. (I) Legend: (SP) - Supporting pathogenic, (I) - Information, (SB) - Supporting benign

3billion
Classification: Likely pathogenic for Deafness with labyrinthine aplasia, microtia, and microdontia. Last evaluated: 2024-06-12. Review status: criteria provided, single submitter. Criteria: ACMG Guidelines, 2015. Collection method: clinical testing. Allele origin: germline. Affected: yes.
Comment: The variant is observed at an extremely low frequency in the gnomAD v4.0.0 dataset (total allele frequency: 0.001%). Predicted Consequence/Location: Stop-gained (nonsense): predicted to result in a loss or disruption of normal protein function through protein truncation. The predicted truncated protein may be shortened by more than 10%. The variant has been reported at least twice as pathogenic without evidence for the classification (ClinVar ID: VCV000013838 /PMID: 17236138). Therefore, this variant is classified as Likely pathogenic according to the recommendation of ACMG/AMP guideline.

Blueprint Genetics
Classification: Pathogenic for FGF3-related disorders. Last evaluated: 2024-05-10. Review status: criteria provided, single submitter. Criteria: ACMG Guidelines, 2015. Collection method: clinical testing. Allele origin: germline. Affected: yes. Observed: 5 variant alleles.

PreventionGenetics, part of Exact Sciences
Classification: Pathogenic for FGF3-related condition. Last evaluated: 2023-06-13. Review status: criteria provided, single submitter. Criteria: ACMG Guidelines, 2015. Collection method: clinical testing. Allele origin: germline.
Comment: The FGF3 c.310C>T variant is predicted to result in premature protein termination (p.Arg104*). This variant has been reported to be causative for autosomal recessive syndromic deafness with LAMM (labyrinthine aplasia, microtia, and microdontia) (Tekin et al. 2007. PubMed ID: 17236138; Riazuddin et al. 2011. PubMed ID: 21306635; Sensi et al. 2011. PubMed ID: 21480479). This variant is reported in 0.0065% of alleles in individuals of South Asian descent in gnomAD. Nonsense variants in FGF3 are expected to be pathogenic. This variant is interpreted as pathogenic.

Baylor-Hopkins Center for Mendelian Genomics, Johns Hopkins University School of Medicine
Classification: Pathogenic for Deafness with labyrinthine aplasia, microtia, and microdontia. Review status: criteria provided, single submitter. Criteria: ACMG Guidelines, 2015. Collection method: research. Allele origin: unknown. Affected: yes. Observed: 1 variant allele, 1 homozygote.

Juno Genomics, Hangzhou Juno Genomics, Inc
Classification: Pathogenic for Deafness with labyrinthine aplasia, microtia, and microdontia. Review status: criteria provided, single submitter. Criteria: ACMG Guidelines, 2015. Collection method: clinical testing. Allele origin: germline.
Comment: Absent from controls (or at extremely low frequency if recessive) in Genome Aggregation Database.;Null variant in a gene where loss of function (LOF) is a known mechanism of disease.;For recessive disorders, detected in trans with a pathogenic variant.;Co-segregation with disease in multiple affected family members.

OMIM
Classification: Pathogenic for DEAFNESS, CONGENITAL, WITH INNER EAR AGENESIS, MICROTIA, AND MICRODONTIA. Last evaluated: 2011-05-01. Review status: no assertion criteria provided. Collection method: literature only. Allele origin: germline. Not counted in ClinVar's aggregate classification.

GeneReviews
No classification provided. Condition: Deafness with labyrinthine aplasia, microtia, and microdontia. Review status: no classification provided. Collection method: literature only. Allele origin: unknown. Not counted in ClinVar's aggregate classification.

Literature cited by the submitters: PubMed 17236138 (cited by 3 submitters); PubMed 21306635 (cited by Victorian Clinical Genetics Services, Murdoch Childrens Research Institute); PubMed 21480479 (cited by Victorian Clinical Genetics Services, Murdoch Childrens Research Institute and OMIM); PubMed 22993869 (cited by GeneReviews); NCBI Bookshelf NBK100664 (cited by GeneReviews).

NM_005247.4(FGF3):c.310C>T (p.Arg104Ter)

Gene: FGF3 (fibroblast growth factor 3; minus strand). Cytogenetic location: 11q13.3.
Variant type: single nucleotide variant.
Coding change: c.310C>T on transcript NM_005247.4 (MANE Select); coding-DNA position 310, C replaced by T.
Protein change: p.Arg104Ter; replaces arginine 104 with a stop codon.
Molecular consequence: nonsense.
Genome position (GRCh38, 1-based): chr11:69,816,334, G>A on the plus strand (C>T on the coding strand, the complement: FGF3 is on the minus strand). VCF-style: chr11-69816334-G-A. GRCh37 (hg19) VCF-style: chr11-69631102-G-A.
Other names: short protein forms R104*.
Identifiers: ClinVar variation 13838 (VCV000013838.13), dbSNP rs121917704, ClinGen allele CA341307.